The following is an entry in ClinVar:

NM_014679.5(CEP57):c.832G>A (p.Ala278Thr)

Gene: CEP57 (centrosomal protein 57; plus strand). Cytogenetic location: 11q21.
Variant type: single nucleotide variant.
Coding change: c.832G>A on transcript NM_014679.5 (MANE Select); coding-DNA position 832, G replaced by A.
Protein change: p.Ala278Thr; replaces alanine 278 with threonine.
Molecular consequence: missense variant. On other transcripts: intron variant (1).
Genome position (GRCh38, 1-based): chr11:95,822,523, G>A. VCF-style: chr11-95822523-G-A. GRCh37 (hg19) VCF-style: chr11-95555687-G-A.
Other names: c.805G>A, p.Ala269Thr (NM_001243776.2); c.751G>A, p.Ala251Thr (NM_001363604.2); c.807+545G>A (NM_001243777.2); c.832G>A (NM_014679.4); short protein forms A251T, A269T, A278T.
Identifiers: ClinVar variation 2054394 (VCV002054394.5), dbSNP rs1188447916, ClinGen allele CA382405647.

ClinVar aggregate classification (germline): Uncertain significance. Review status: criteria provided, multiple submitters, no conflicts (2 of 4 stars). 2 submissions from 2 submitters: Uncertain significance (2). Last evaluated 2025-06-07.

Conditions:
Inborn genetic diseases. Identifiers: MedGen C0950123, MeSH D030342.
Mosaic variegated aneuploidy syndrome 2 (MVA2). Identifiers: Orphanet 1052, MedGen C3279843, MONDO:0013582, OMIM 614114.

Allele frequency attached by ClinVar (database versions not stated): gnomAD exomes below 0.00001; TOPMed below 0.00001; gnomAD 0.00001.
gnomAD v4.1: 2 of 1,613,492 alleles (0.00012%); highest among the groups gnomAD compares: Non-Finnish European, 0.00017%; no homozygotes.

Submissions (2):

Ambry Genetics
Classification: Uncertain significance for Inborn genetic diseases. Last evaluated: 2025-06-07. Review status: criteria provided, single submitter. Criteria: Ambry Variant Classification Scheme 2023. Collection method: clinical testing. Allele origin: germline.
Comment: The p.A278T variant (also known as c.832G>A), located in coding exon 8 of the CEP57 gene, results from a G to A substitution at nucleotide position 832. The alanine at codon 278 is replaced by threonine, an amino acid with similar properties. This amino acid position is conserved. In addition, this alteration is predicted to be tolerated by in silico analysis. Based on the available evidence, the clinical significance of this variant remains unclear.

Labcorp Genetics (formerly Invitae), Labcorp
Classification: Uncertain significance for Mosaic variegated aneuploidy syndrome 2. Last evaluated: 2022-04-25. Review status: criteria provided, single submitter. Criteria: Invitae Variant Classification Sherloc (09022015). Collection method: clinical testing. Allele origin: germline.
Comment: This sequence change replaces alanine, which is neutral and non-polar, with threonine, which is neutral and polar, at codon 278 of the CEP57 protein (p.Ala278Thr). The frequency data for this variant in the population databases is considered unreliable, as metrics indicate poor data quality at this position in the gnomAD database. This variant has not been reported in the literature in individuals affected with CEP57-related conditions. Algorithms developed to predict the effect of missense changes on protein structure and function output the following: SIFT: "Tolerated"; PolyPhen-2: "Benign"; Align-GVGD: "Class C0". The threonine amino acid residue is found in multiple mammalian species, which suggests that this missense change does not adversely affect protein function. Algorithms developed to predict the effect of sequence changes on RNA splicing suggest that this variant may disrupt the consensus splice site. In summary, the available evidence is currently insufficient to determine the role of this variant in disease. Therefore, it has been classified as a Variant of Uncertain Significance.